The following is an entry in ClinVar:

NM_182961.4(SYNE1):c.8652+3C>T

Genes: SYNE1 (spectrin repeat containing nuclear envelope protein 1; minus strand), LOC126859838 (CDK7 strongly-dependent group 2 enhancer GRCh37_chr6:152706655-152707854; plus strand). Cytogenetic location: 6q25.2.
Variant type: single nucleotide variant.
Coding change: c.8652+3C>T on transcript NM_182961.4 (MANE Select); 3 bases into the intron after coding-DNA position 8652, C replaced by T.
Molecular consequence: intron variant.
Genome position (GRCh38, 1-based): chr6:152,385,671, G>A on the plus strand (C>T on the coding strand, the complement: SYNE1 is on the minus strand). VCF-style: chr6-152385671-G-A. GRCh37 (hg19) VCF-style: chr6-152706806-G-A.
Other names: c.8673+3C>T (NM_033071.5).
Identifiers: ClinVar variation 2953322 (VCV002953322.3), dbSNP rs773308278, ClinGen allele CA4057499.

ClinVar aggregate classification (germline): Uncertain significance (1 of 4 stars; one submission).

Conditions:
Emery-Dreifuss muscular dystrophy 4, autosomal dominant (EDMD4). Also called: EMERY-DREIFUSS MUSCULAR DYSTROPHY 4 WITH VARIABLE FEATURES. Identifiers: Orphanet 261, MedGen C2751807, MONDO:0013071, OMIM 612998.
Autosomal recessive ataxia, Beauce type. Also called: SYNE1-Related Autosomal Recessive Cerebellar Ataxia; SYNE1 Deficiency; Spinocerebellar ataxia, autosomal recessive 8; ATAXIA, RECESSIVE, OF BEAUCE. Identifiers: Orphanet 88644, MedGen C1853116, MONDO:0012549, OMIM 610743.

Allele frequency attached by ClinVar (database versions not stated): ExAC 0.00001; gnomAD 0.00001; TOPMed 0.00001.
gnomAD v4.1: 3 of 1,613,884 alleles (0.00019%); highest among the groups gnomAD compares: Non-Finnish European, 0.00025%; no homozygotes.

Submission:

Labcorp Genetics (formerly Invitae), Labcorp
Classification: Uncertain significance for Emery-Dreifuss muscular dystrophy 4, autosomal dominant; Autosomal recessive ataxia, Beauce type. Last evaluated: 2023-08-14. Review status: criteria provided, single submitter. Criteria: Invitae Variant Classification Sherloc (09022015). Collection method: clinical testing. Allele origin: germline.
Comment: This sequence change falls in intron 55 of the SYNE1 gene. It does not directly change the encoded amino acid sequence of the SYNE1 protein. It affects a nucleotide within the consensus splice site. This variant is present in population databases (rs773308278, gnomAD 0.0009%). This variant has not been reported in the literature in individuals affected with SYNE1-related conditions. Variants that disrupt the consensus splice site are a relatively common cause of aberrant splicing (PMID: 17576681, 9536098). Algorithms developed to predict the effect of sequence changes on RNA splicing suggest that this variant is not likely to affect RNA splicing. In summary, the available evidence is currently insufficient to determine the role of this variant in disease. Therefore, it has been classified as a Variant of Uncertain Significance.

Literature cited by the submitters: PubMed 17576681; PubMed 9536098.